The following is an entry in ClinVar:

NM_001377295.2(GNAT2):c.302C>T (p.Ala101Val)

Gene: GNAT2 (G protein subunit alpha transducin 2; minus strand). Cytogenetic location: 1p13.3.
Variant type: single nucleotide variant.
Coding change: c.302C>T on transcript NM_001377295.2 (MANE Select); coding-DNA position 302, C replaced by T.
Protein change: p.Ala101Val; replaces alanine 101 with valine.
Molecular consequence: missense variant.
Genome position (GRCh38, 1-based): chr1:109,610,041, G>A on the plus strand (C>T on the coding strand, the complement: GNAT2 is on the minus strand). VCF-style: chr1-109610041-G-A. GRCh37 (hg19) VCF-style: chr1-110152663-G-A.
Other names: c.302C>T, p.Ala101Val (NM_001379232.1, NM_005272.5); short protein forms A101V.
Identifiers: ClinVar variation 1514834 (VCV001514834.5), dbSNP rs146695290, ClinGen allele CA992472.

ClinVar aggregate classification (germline): Uncertain significance (1 of 4 stars; one submission).

Allele frequency attached by ClinVar (database versions not stated): ESP Exome Variant Server 0.00008.
gnomAD v4.1: 21 of 1,613,606 alleles (0.0013%); highest among the groups gnomAD compares: Middle Eastern, 0.017%; no homozygotes.

Submission:

Labcorp Genetics (formerly Invitae), Labcorp
Classification: Uncertain significance. Last evaluated: 2022-10-13. Review status: criteria provided, single submitter. Criteria: Invitae Variant Classification Sherloc (09022015). Collection method: clinical testing. Allele origin: germline.
Comment: This sequence change replaces alanine, which is neutral and non-polar, with valine, which is neutral and non-polar, at codon 101 of the GNAT2 protein (p.Ala101Val). This variant is present in population databases (rs146695290, gnomAD 0.007%). This variant has not been reported in the literature in individuals affected with GNAT2-related conditions. ClinVar contains an entry for this variant (Variation ID: 1514834). Algorithms developed to predict the effect of missense changes on protein structure and function output the following: SIFT: "Tolerated"; PolyPhen-2: "Benign"; Align-GVGD: "Class C0". The valine amino acid residue is found in multiple mammalian species, which suggests that this missense change does not adversely affect protein function. In summary, the available evidence is currently insufficient to determine the role of this variant in disease. Therefore, it has been classified as a Variant of Uncertain Significance.